The following is an entry in ClinVar:

NM_000081.4(LYST):c.9118A>G (p.Met3040Val)

Gene: LYST (lysosomal trafficking regulator; minus strand). Cytogenetic location: 1q42.3.
Variant type: single nucleotide variant.
Coding change: c.9118A>G on transcript NM_000081.4 (MANE Select); coding-DNA position 9118, A replaced by G.
Protein change: p.Met3040Val; replaces methionine 3040 with valine.
Molecular consequence: missense variant.
Genome position (GRCh38, 1-based): chr1:235,728,120, T>C on the plus strand (A>G on the coding strand, the complement: LYST is on the minus strand). VCF-style: chr1-235728120-T-C. GRCh37 (hg19) VCF-style: chr1-235891420-T-C.
Other names: c.9118A>G, p.Met3040Val (NM_001301365.1); short protein forms M3040V.
Identifiers: ClinVar variation 1424021 (VCV001424021.5), dbSNP rs2527506168, ClinGen allele CA344947334.
Genomic context (GRCh38, chr1:235,728,120, plus strand): 5'-TTAAGCCTCTACTCACCGAACTTTCAACTGTATCAGAAGCATTATCTTCCACAAAATACA[T>C]TCCACATTTACCTGCAGAAAGTAATTGGATATAAGGGTTTTAAAATGTATGTGCACACTA-3'
Protein context (NP_000072.2, residues 3030-3050): AGELLLGKCG[Met3040Val]YFVEDNASDT

ClinVar aggregate classification (germline): Uncertain significance (1 of 4 stars; one submission).

Conditions:
Chédiak-Higashi syndrome (CHS). Also called: Chediak-Higashi Syndrome. Identifiers: Orphanet 167, MedGen C0007965, MONDO:0008963, OMIM 214500.

Submission:

Labcorp Genetics (formerly Invitae), Labcorp
Classification: Uncertain significance for Chédiak-Higashi syndrome. Last evaluated: 2024-12-16. Review status: criteria provided, single submitter. Criteria: Invitae Variant Classification Sherloc (09022015). Collection method: clinical testing. Allele origin: germline.
Comment: This sequence change replaces methionine, which is neutral and non-polar, with valine, which is neutral and non-polar, at codon 3040 of the LYST protein (p.Met3040Val). This variant is not present in population databases (gnomAD no frequency). This variant has not been reported in the literature in individuals affected with LYST-related conditions. ClinVar contains an entry for this variant (Variation ID: 1424021). Invitae Evidence Modeling of protein sequence and biophysical properties (such as structural, functional, and spatial information, amino acid conservation, physicochemical variation, residue mobility, and thermodynamic stability) indicates that this missense variant is not expected to disrupt LYST protein function with a negative predictive value of 80%. In summary, the available evidence is currently insufficient to determine the role of this variant in disease. Therefore, it has been classified as a Variant of Uncertain Significance.